The following is an entry in ClinVar:

ClinVar aggregate classification (germline): Pathogenic (1 of 4 stars; one submission).

Conditions:
Wilson disease (WND). Also called: Wilson's disease. Identifiers: Orphanet 905, MedGen C0019202, MONDO:0010200, OMIM 277900. Disease mechanism: loss of function.

Submission:

Labcorp Genetics (formerly Invitae), Labcorp
Classification: Pathogenic for Wilson disease. Last evaluated: 2024-08-28. Review status: criteria provided, single submitter. Criteria: Invitae Variant Classification Sherloc (09022015). Collection method: clinical testing. Allele origin: germline.
Comment: This sequence change creates a premature translational stop signal (p.Ile968Thrfs*55) in the ATP7B gene. It is expected to result in an absent or disrupted protein product. Loss-of-function variants in ATP7B are known to be pathogenic (PMID: 10441329, 16283883). This variant is not present in population databases (gnomAD no frequency). This variant has not been reported in the literature in individuals affected with ATP7B-related conditions. Algorithms developed to predict the effect of sequence changes on RNA splicing suggest that this variant may disrupt the consensus splice site. For these reasons, this variant has been classified as Pathogenic.

Literature cited by the submitters: PubMed 10441329; PubMed 16283883.

NM_000053.4(ATP7B):c.2901_2902dup (p.Ile968fs)

Gene: ATP7B (ATPase copper transporting beta; minus strand). Cytogenetic location: 13q14.3.
Variant type: Duplication.
Coding change: c.2901_2902dup on transcript NM_000053.4 (MANE Select); coding-DNA positions 2901 to 2902, 2 bases duplicated (CA; older notation c.2901_2902dupCA).
Protein change: p.Ile968fs; shifts the reading frame from isoleucine 968.
Molecular consequence: frameshift variant. On other transcripts: intron variant (6).
Genome position (GRCh38, 1-based): chr13:51,946,442-51,946,443, TG duplicated on the plus strand (CA on the coding strand, the reverse complement: ATP7B is on the minus strand). VCF-style (leftmost placement, unchanged base first): chr13-51946441-A-ATG. GRCh37 (hg19) VCF-style: chr13-52520577-A-ATG.
Other names: c.2280_2281dup, p.Ile761fs (NM_001005918.3); c.2568_2569dup, p.Ile857fs (NM_001243182.2); c.2667_2668dup, p.Ile890fs (NM_001330578.2, NM_001406527.1, NM_001406528.1 and 1 more transcripts); c.2649_2650dup, p.Ile884fs (NM_001330579.2, NM_001406531.1, NM_001406532.1); c.2901_2902dup, p.Ile968fs (NM_001406511.1, NM_001406512.1, NM_001406513.1 and 2 more transcripts); c.2868_2869dup, p.Ile957fs (NM_001406514.1); c.2847_2848dup, p.Ile950fs (NM_001406515.1, NM_001406516.1); c.2805_2806dup, p.Ile936fs (NM_001406517.1, NM_001406518.1); and 18 more; short protein forms I774fs, I888fs, I923fs, I968fs, I761fs, I872fs, I890fs, I920fs.
Identifiers: ClinVar variation 3663069 (VCV003663069.2).